The following is an entry in ClinVar:

NM_007294.4(BRCA1):c.4654_4673del (p.Tyr1552fs)

Gene: BRCA1 (BRCA1 DNA repair associated; minus strand). Cytogenetic location: 17q21.31.
Variant type: Deletion.
Coding change: c.4654_4673del on transcript NM_007294.4 (MANE Select); coding-DNA positions 4654 to 4673, 20 bases deleted (TACTTGCCAAGGCAAGATCT).
Protein change: p.Tyr1552fs; shifts the reading frame from tyrosine 1552.
Molecular consequence: frameshift variant. On other transcripts: non-coding transcript variant (1).
Genome position (GRCh38, 1-based): chr17:43,074,333-43,074,352, AGATCTTGCCTTGGCAAGTA deleted on the plus strand (TACTTGCCAAGGCAAGATCT on the coding strand, the reverse complement: BRCA1 is on the minus strand); deleting any 20 consecutive bases within chr17:43,074,333-43,074,356 gives the same sequence; the c. name uses the placement nearest the transcript's 3' end. VCF-style (leftmost placement, unchanged base first): chr17-43074332-TAGATCTTGCCTTGGCAAGTA-T. GRCh37 (hg19) VCF-style: chr17-41226349-TAGATCTTGCCTTGGCAAGTA-T.
Other names: c.4654_4673del20 (NM_007294.3); c.4506_4525del20, p.Tyr1504Argfs (NM_001407743.1, NM_001407744.1, NM_001407745.1 and 21 more transcripts); c.4503_4522del20, p.Tyr1503Argfs (NM_001407838.1, NM_001407839.1, NM_001407841.1 and 12 more transcripts); c.4650_4669del20, p.Tyr1552Argfs (NM_001407854.1, NM_001407593.1, NM_001407594.1 and 8 more transcripts); c.4647_4666del20, p.Tyr1551Argfs (NM_001407858.1, NM_001407859.1, NM_001407860.1 and 17 more transcripts); c.4644_4663del20, p.Tyr1550Argfs (NM_001407861.1, NM_001407627.1, NM_001407628.1 and 14 more transcripts); c.4449_4468del20, p.Tyr1485Argfs (NM_001407862.1); c.4524_4543del20, p.Tyr1510Argfs (NM_001407863.1, NM_001407939.1, NM_001407940.1 and 11 more transcripts); and 72 more; short protein forms Y1552fs, Y1573fs, Y448fs, Y1505fs.
Identifiers: ClinVar variation 231678 (VCV000231678.9), dbSNP rs876659293, ClinGen allele CA10580512.

ClinVar aggregate classification (germline): Pathogenic. Review status: reviewed by expert panel (3 of 4 stars). 3 submissions from 3 submitters: Pathogenic (1). 2 of the submissions do not count toward it. Last evaluated 2017-12-15.

Conditions:
Hereditary cancer-predisposing syndrome. Also called: Tumor predisposition; Hereditary Cancer Syndrome; Neoplastic Syndromes, Hereditary; Hereditary neoplastic syndrome. Identifiers: Orphanet 140162, MedGen C0027672, MeSH D009386, MONDO:0015356.
Hereditary breast ovarian cancer syndrome. Also called: Breast and ovarian cancer; Hereditary breast and ovarian cancer; Hereditary breast and ovarian cancer syndrome; Hereditary breast and/or ovarian cancer syndrome; BRCA1- and BRCA2-Associated Hereditary Breast and Ovarian Cancer; Hereditary breast and ovarian cancer syndrome (HBOC). Identifiers: Orphanet 145, MedGen C0677776, MeSH D061325, MONDO:0003582. Disease mechanism: loss of function.
Breast-ovarian cancer, familial, susceptibility to, 1 (BROVCA1). Also called: BRCA1 Hereditary Breast and Ovarian Cancer; OVARIAN CANCER, SUSCEPTIBILITY TO. Identifiers: Orphanet 145, MedGen C2676676, MONDO:0011450, OMIM 604370. Disease mechanism: loss of function.

Submissions (3):

Evidence-based Network for the Interpretation of Germline Mutant Alleles (ENIGMA)
Classification: Pathogenic for Breast-ovarian cancer, familial, susceptibility to, 1. Last evaluated: 2017-12-15. Review status: reviewed by expert panel. Criteria: ENIGMA BRCA1/2 Classification Criteria (2017-06-29). Collection method: curation. Allele origin: germline. Study: ENIGMA.
Comment: Variant allele predicted to encode a truncated non-functional protein.

Labcorp Genetics (formerly Invitae), Labcorp
Classification: Pathogenic for Hereditary breast ovarian cancer syndrome. Last evaluated: 2022-11-15. Review status: criteria provided, single submitter. Criteria: Invitae Variant Classification Sherloc (09022015). Collection method: clinical testing. Allele origin: germline. Not counted in ClinVar's aggregate classification.
Comment: For these reasons, this variant has been classified as Pathogenic. ClinVar contains an entry for this variant (Variation ID: 231678). This variant has not been reported in the literature in individuals affected with BRCA1-related conditions. This variant is not present in population databases (gnomAD no frequency). This sequence change creates a premature translational stop signal (p.Tyr1552Argfs*15) in the BRCA1 gene. It is expected to result in an absent or disrupted protein product. Loss-of-function variants in BRCA1 are known to be pathogenic (PMID: 20104584).

Ambry Genetics
Classification: Pathogenic for Hereditary cancer-predisposing syndrome. Last evaluated: 2017-05-19. Review status: criteria provided, single submitter. Criteria: Ambry Variant Classification Scheme 2023. Collection method: clinical testing. Allele origin: germline. Not counted in ClinVar's aggregate classification.
Comment: The c.4654_4673del20 pathogenic mutation, located in coding exon 13 of the BRCA1 gene, results from a deletion of 20 nucleotides at nucleotide positions 4654 to 4673, causing a translational frameshift with a predicted alternate stop codon (p.Y1552Rfs*15). This alteration is expected to result in loss of function by premature protein truncation or nonsense-mediated mRNA decay. As such, this alteration is interpreted as a disease-causing mutation.

Literature cited by the submitters: PubMed 20104584 (cited by Labcorp Genetics (formerly Invitae), Labcorp).